The following is an entry in ClinVar:

NM_001082486.1(ACD):c.200G>A (p.Gly67Glu)

Gene: ACD (ACD shelterin complex subunit and telomerase recruitment factor; minus strand). Cytogenetic location: 16q22.1.
Variant type: single nucleotide variant.
Coding change: c.200G>A on transcript NM_001082486.1; coding-DNA position 200, G replaced by A.
Protein change: p.Gly67Glu; replaces glycine 67 with glutamic acid.
Genome position (GRCh38, 1-based): chr16:67,660,279, C>T on the plus strand (G>A on the coding strand, the complement: ACD is on the minus strand). VCF-style: chr16-67660279-C-T. GRCh37 (hg19) VCF-style: chr16-67694182-C-T.
Other names: short protein forms G67E.
Identifiers: ClinVar variation 1784386 (VCV001784386.3), dbSNP rs2543612227, ClinGen allele CA396359431.

ClinVar aggregate classification (germline): Uncertain significance (1 of 4 stars; one submission).

Conditions:
Inborn genetic diseases. Identifiers: MedGen C0950123, MeSH D030342.

Submission:

Ambry Genetics
Classification: Uncertain significance for Inborn genetic diseases. Last evaluated: 2024-04-26. Review status: criteria provided, single submitter. Criteria: Ambry Variant Classification Scheme 2023. Collection method: clinical testing. Allele origin: germline.
Comment: The p.G67E variant (also known as c.200G>A), located in coding exon 1 of the ACD gene, results from a G to A substitution at nucleotide position 200. The glycine at codon 67 is replaced by glutamic acid, an amino acid with similar properties. This amino acid position is conserved. In addition, this alteration is predicted to be tolerated by in silico analysis. Since supporting evidence is limited at this time, the clinical significance of this alteration remains unclear.